The following is an entry in ClinVar:

ClinVar aggregate classification (germline): Uncertain significance (1 of 4 stars; one submission).

Conditions:
Giant axonal neuropathy 1 (GAN1). Also called: GIANT AXONAL NEUROPATHY 1, AUTOSOMAL RECESSIVE; GAN-Related Neurodegeneration. Identifiers: Orphanet 643, MedGen C1850386, MONDO:0009749, OMIM 256850.

Submission:

Labcorp Genetics (formerly Invitae), Labcorp
Classification: Uncertain significance for Giant axonal neuropathy 1. Last evaluated: 2021-11-22. Review status: criteria provided, single submitter. Criteria: Invitae Variant Classification Sherloc (09022015). Collection method: clinical testing. Allele origin: germline.
Comment: In summary, the available evidence is currently insufficient to determine the role of this variant in disease. Therefore, it has been classified as a Variant of Uncertain Significance. Algorithms developed to predict the effect of missense changes on protein structure and function (SIFT, PolyPhen-2, Align-GVGD) all suggest that this variant is likely to be tolerated. This variant has not been reported in the literature in individuals affected with GAN-related conditions. This variant is not present in population databases (gnomAD no frequency). This sequence change replaces valine, which is neutral and non-polar, with leucine, which is neutral and non-polar, at codon 80 of the GAN protein (p.Val80Leu).

NM_022041.4(GAN):c.238G>T (p.Val80Leu)

Gene: GAN (gigaxonin; plus strand). Cytogenetic location: 16q23.2.
Variant type: single nucleotide variant.
Coding change: c.238G>T on transcript NM_022041.4 (MANE Select); coding-DNA position 238, G replaced by T.
Protein change: p.Val80Leu; replaces valine 80 with leucine.
Molecular consequence: missense variant. On other transcripts: intron variant (1).
Genome position (GRCh38, 1-based): chr16:81,351,653, G>T. VCF-style: chr16-81351653-G-T. GRCh37 (hg19) VCF-style: chr16-81385258-G-T.
Other names: c.-357-2752G>T (NM_001377486.1); short protein forms V80L.
Identifiers: ClinVar variation 1394479 (VCV001394479.6), dbSNP rs146629249, ClinGen allele CA396865813.